The following is an entry in ClinVar:

NM_000824.5(GLRB):c.1017T>G (p.Phe339Leu)

Gene: GLRB (glycine receptor beta; plus strand). Cytogenetic location: 4q32.1.
Variant type: single nucleotide variant.
Coding change: c.1017T>G on transcript NM_000824.5 (MANE Select); coding-DNA position 1017, T replaced by G.
Protein change: p.Phe339Leu; replaces phenylalanine 339 with leucine.
Molecular consequence: missense variant. On other transcripts: intron variant (1).
Genome position (GRCh38, 1-based): chr4:157,152,830, T>G. VCF-style: chr4-157152830-T-G. GRCh37 (hg19) VCF-style: chr4-158073982-T-G.
Other names: c.1017T>G, p.Phe339Leu (NM_001166060.2); c.904+8871T>G (NM_001166061.2); short protein forms F339L.
Identifiers: ClinVar variation 2089109 (VCV002089109.4), dbSNP rs2530110086, ClinGen allele CA358644439.

ClinVar aggregate classification (germline): Uncertain significance (1 of 4 stars; one submission).

Conditions:
Hyperekplexia 2 (HKPX2). Identifiers: Orphanet 3197, MedGen C3553291, MONDO:0013828, OMIM 614619.

Submission:

Labcorp Genetics (formerly Invitae), Labcorp
Classification: Uncertain significance for Hyperekplexia 2. Last evaluated: 2025-11-10. Review status: criteria provided, single submitter. Criteria: Invitae Variant Classification Sherloc (09022015). Collection method: clinical testing. Allele origin: germline.
Comment: This sequence change replaces phenylalanine, which is neutral and non-polar, with leucine, which is neutral and non-polar, at codon 339 of the GLRB protein (p.Phe339Leu). This variant is not present in population databases (gnomAD no frequency). This variant has not been reported in the literature in individuals affected with GLRB-related conditions. ClinVar contains an entry for this variant (Variation ID: 2089109). Invitae Evidence Modeling of protein sequence and biophysical properties (such as structural, functional, and spatial information, amino acid conservation, physicochemical variation, residue mobility, and thermodynamic stability) indicates that this missense variant is not expected to disrupt GLRB protein function with a negative predictive value of 80%. In summary, the available evidence is currently insufficient to determine the role of this variant in disease. Therefore, it has been classified as a Variant of Uncertain Significance.